The following is an entry in ClinVar:

NM_181503.3(EXOSC8):c.211A>G (p.Thr71Ala)

Gene: EXOSC8 (exosome component 8; plus strand). Cytogenetic location: 13q13.3.
Variant type: single nucleotide variant.
Coding change: c.211A>G on transcript NM_181503.3 (MANE Select); coding-DNA position 211, A replaced by G.
Protein change: p.Thr71Ala; replaces threonine 71 with alanine.
Molecular consequence: missense variant.
Genome position (GRCh38, 1-based): chr13:37,004,534, A>G. VCF-style: chr13-37004534-A-G. GRCh37 (hg19) VCF-style: chr13-37578671-A-G.
Other names: c.211A>G (NM_181503.2); short protein forms T71A.
Identifiers: ClinVar variation 1904238 (VCV001904238.4), dbSNP rs149303311, ClinGen allele CA6951146.
Genomic context (GRCh38, chr13:37,004,534, plus strand): 5'-CAGTAGCTTCTTTCAATAGGAAACATTTCTTTGCTACTATAGGAATTTGCAGCACCATCA[A>G]CAGATGCCCCTGATAAAGGATACGTTGGTAAGTTAAATGGTTTTGTAATTTTAATACAAA-3'
Protein context (NP_852480.1, residues 61-81): GVKAEFAAPS[Thr71Ala]DAPDKGYVVP

ClinVar aggregate classification (germline): Uncertain significance. Review status: criteria provided, multiple submitters, no conflicts (2 of 4 stars). 2 submissions from 2 submitters: Uncertain significance (2). Last evaluated 2023-12-07.

Allele frequency attached by ClinVar (database versions not stated): gnomAD exomes 0.00001; ExAC 0.00002; ESP Exome Variant Server 0.00008; gnomAD 0.00011; TOPMed 0.00015.
gnomAD v4.1: 27 of 1,608,848 alleles (0.0017%); highest among the groups gnomAD compares: African/African-American, 0.027%; no homozygotes.

Submissions (2):

Labcorp Genetics (formerly Invitae), Labcorp
Classification: Uncertain significance. Last evaluated: 2023-12-07. Review status: criteria provided, single submitter. Criteria: Invitae Variant Classification Sherloc (09022015). Collection method: clinical testing. Allele origin: germline.
Comment: This sequence change replaces threonine, which is neutral and polar, with alanine, which is neutral and non-polar, at codon 71 of the EXOSC8 protein (p.Thr71Ala). This variant is present in population databases (rs149303311, gnomAD 0.02%). This variant has not been reported in the literature in individuals affected with EXOSC8-related conditions. ClinVar contains an entry for this variant (Variation ID: 1904238). Advanced modeling of protein sequence and biophysical properties (such as structural, functional, and spatial information, amino acid conservation, physicochemical variation, residue mobility, and thermodynamic stability) performed at Invitae indicates that this missense variant is not expected to disrupt EXOSC8 protein function with a negative predictive value of 80%. In summary, the available evidence is currently insufficient to determine the role of this variant in disease. Therefore, it has been classified as a Variant of Uncertain Significance.

Ambry Genetics
Classification: Uncertain significance. Last evaluated: 2023-11-21. Review status: criteria provided, single submitter. Criteria: Ambry Variant Classification Scheme 2023. Collection method: clinical testing. Allele origin: germline.